The following is an entry in ClinVar:

ClinVar aggregate classification (germline): Uncertain significance (1 of 4 stars; one submission).

Conditions:
Familial thoracic aortic aneurysm and aortic dissection (TAAD). Also called: Thoracic aortic aneurysms and dissections. Identifiers: Orphanet 91387, MedGen C4707243, MONDO:0019625.

Submission:

All of Us Research Program, National Institutes of Health
Classification: Uncertain significance for Familial thoracic aortic aneurysm and aortic dissection. Last evaluated: 2023-10-23. Review status: criteria provided, single submitter. Criteria: ACMG Guidelines, 2015. Collection method: clinical testing. Allele origin: germline. Inheritance: Autosomal dominant inheritance. Observed: 1 variant allele, 1 heterozygote.
Comment: This missense variant replaces lysine with asparagine at codon 1802 of the MYH11 protein. Computational prediction suggests that this variant may have deleterious impact on protein structure and function (internally defined REVEL score threshold >= 0.7, PMID: 27666373). To our knowledge, functional studies have not been reported for this variant. This variant has not been reported in individuals affected with MYH11-related disorders in the literature. This variant has not been identified in the general population by the Genome Aggregation Database (gnomAD). The available evidence is insufficient to determine the role of this variant in disease conclusively. Therefore, this variant is classified as a Variant of Uncertain Significance.

This study involves interpretation of variants in research participants for the purpose of population health screening. Participant phenotype was not available at the time of variant classification. Additional details can be found in publication PMID: 35346344, PMCID: PMC8962531

NM_002474.3(MYH11):c.5385G>T (p.Lys1795Asn)

Genes: NDE1 (nudE neurodevelopment protein 1; plus strand), MYH11 (myosin heavy chain 11; minus strand). Cytogenetic location: 16p13.11.
Variant type: single nucleotide variant.
Coding change: c.5385G>T on transcript NM_002474.3 (MANE Select); coding-DNA position 5385, G replaced by T.
Protein change: p.Lys1795Asn; replaces lysine 1795 with asparagine.
Molecular consequence: missense variant. On other transcripts: intron variant (2).
Genome position (GRCh38, 1-based): chr16:15,717,259, C>A on the plus strand (G>T on the coding strand, the complement: MYH11 is on the minus strand). VCF-style: chr16-15717259-C-A. GRCh37 (hg19) VCF-style: chr16-15811116-C-A.
Other names: c.5385G>T, p.Lys1795Asn (NM_022844.3); c.948-6932C>A (NM_001143979.2, NM_017668.3); c.5406G>T, p.Lys1802Asn (NM_001040113.2, NM_001040114.2); short protein forms K1795N, K1802N.
Identifiers: ClinVar variation 3074094 (VCV003074094.1), dbSNP rs776794802, ClinGen allele CA394849005.